The following is an entry in ClinVar:

ClinVar aggregate classification (germline): Uncertain significance (1 of 4 stars; one submission).

Conditions:
Hypertrophic cardiomyopathy. Also called: HYPERTROPHIC MYOCARDIOPATHY. Identifiers: Orphanet 217569, MedGen C0007194, MeSH D002312, MONDO:0005045, HP:0001639.

Submission:

Labcorp Genetics (formerly Invitae), Labcorp
Classification: Uncertain significance for Hypertrophic cardiomyopathy. Last evaluated: 2020-11-04. Review status: criteria provided, single submitter. Criteria: Invitae Variant Classification Sherloc (09022015). Collection method: clinical testing. Allele origin: germline.
Comment: This variant has not been reported in the literature in individuals with MYH7-related conditions. Algorithms developed to predict the effect of missense changes on protein structure and function are either unavailable or do not agree on the potential impact of this missense change (SIFT: "Deleterious"; PolyPhen-2: "Possibly Damaging"; Align-GVGD: "Class C0"). In summary, the available evidence is currently insufficient to determine the role of this variant in disease. Therefore, it has been classified as a Variant of Uncertain Significance. This variant is not present in population databases (ExAC no frequency). This sequence change replaces threonine with isoleucine at codon 60 of the MYH7 protein (p.Thr60Ile). The threonine residue is highly conserved and there is a moderate physicochemical difference between threonine and isoleucine.

NM_000257.4(MYH7):c.179C>T (p.Thr60Ile)

Gene: MYH7 (myosin heavy chain 7; minus strand). Cytogenetic location: 14q11.2.
Variant type: single nucleotide variant.
Coding change: c.179C>T on transcript NM_000257.4 (MANE Select); coding-DNA position 179, C replaced by T.
Protein change: p.Thr60Ile; replaces threonine 60 with isoleucine.
Molecular consequence: missense variant.
Genome position (GRCh38, 1-based): chr14:23,433,554, G>A on the plus strand (C>T on the coding strand, the complement: MYH7 is on the minus strand). VCF-style: chr14-23433554-G-A. GRCh37 (hg19) VCF-style: chr14-23902763-G-A.
Other names: short protein forms T60I.
Identifiers: ClinVar variation 1464319 (VCV001464319.8), dbSNP rs2138686529, ClinGen allele CA389053655.